The following is an entry in ClinVar:

ClinVar aggregate classification (germline): Uncertain significance. Review status: criteria provided, multiple submitters, no conflicts (2 of 4 stars). 3 submissions from 3 submitters: Uncertain significance (3). Last evaluated 2024-10-09.

Conditions:
Hereditary pancreatitis (PCTT). Also called: Hereditary chronic pancreatitis; PRSS1-Related Hereditary Pancreatitis. Identifiers: Orphanet 676, MedGen C0238339, MONDO:0008185, OMIM 167800.

Allele frequency attached by ClinVar (database versions not stated): gnomAD exomes below 0.00001; TOPMed below 0.00001.
gnomAD v4.1: 2 of 1,613,692 alleles (0.00012%); highest among the groups gnomAD compares: Admixed American, 0.0033%; no homozygotes.

Submissions (3):

Labcorp Genetics (formerly Invitae), Labcorp
Classification: Uncertain significance for Hereditary pancreatitis. Last evaluated: 2024-10-09. Review status: criteria provided, single submitter. Criteria: Invitae Variant Classification Sherloc (09022015). Collection method: clinical testing. Allele origin: germline.
Comment: This sequence change replaces valine, which is neutral and non-polar, with aspartic acid, which is acidic and polar, at codon 46 of the SPINK1 protein (p.Val46Asp). This variant is not present in population databases (gnomAD no frequency). This missense change has been observed in individual(s) with SPINK1-related conditions (PMID: 25206283, 33515547). ClinVar contains an entry for this variant (Variation ID: 528769). An algorithm developed to predict the effect of missense changes on protein structure and function (PolyPhen-2) suggests that this variant is likely to be disruptive. Experimental studies are conflicting or provide insufficient evidence to determine the effect of this variant on SPINK1 function (PMID: 28994706). In summary, the available evidence is currently insufficient to determine the role of this variant in disease. Therefore, it has been classified as a Variant of Uncertain Significance.

Ambry Genetics
Classification: Uncertain significance for Hereditary pancreatitis. Last evaluated: 2021-10-06. Review status: criteria provided, single submitter. Criteria: Ambry Variant Classification Scheme 2023. Collection method: clinical testing. Allele origin: germline.
Comment: The p.V46D variant (also known as c.137T>A), located in coding exon 3 of the SPINK1 gene, results from a T to A substitution at nucleotide position 137. The valine at codon 46 is replaced by aspartic acid, an amino acid with highly dissimilar properties. This amino acid position is well conserved in available vertebrate species. In addition, this alteration is predicted to be deleterious by in silico analysis. Since supporting evidence is limited at this time, the clinical significance of this variant remains unclear.

ARUP Laboratories, Molecular Genetics and Genomics, ARUP Laboratories
Classification: Uncertain significance. Last evaluated: 2018-09-10. Review status: criteria provided, single submitter. Criteria: ARUP Molecular Germline Variant Investigation Process. Collection method: clinical testing. Allele origin: germline.
Comment: The SPINK1 c.137T>A; p.Val46Asp variant is reported in the literature in a single individual affected with idiopathic recurrent acute pancreatitis, in whom it was presumed to have occurred de novo (Pelaez-Luna 2014). This variant is also reported in ClinVar (Variation ID: 528769), but it is absent from general population databases (Exome Variant Server, Genome Aggregation Database), indicating it is not a common polymorphism. The valine at codon 46 is highly conserved, and computational analyses (SIFT, PolyPhen-2) predict that this variant is deleterious. However, given the lack of clinical and functional data, the significance of the p.Val46Asp variant is uncertain at this time. References: Pelaez-Luna M et al. PRSS1 and SPINK1 mutations in idiopathic chronic and recurrent acute pancreatitis. World J Gastroenterol. 2014 Sep 7;20(33):11788-92.

Literature cited by the submitters: PubMed 25206283 (cited by Labcorp Genetics (formerly Invitae), Labcorp and Ambry Genetics); PubMed 33515547 (cited by Labcorp Genetics (formerly Invitae), Labcorp); PubMed 28994706 (cited by Labcorp Genetics (formerly Invitae), Labcorp).

NM_001379610.1(SPINK1):c.137T>A (p.Val46Asp)

Gene: SPINK1 (serine peptidase inhibitor Kazal type 1; minus strand). Cytogenetic location: 5q32.
Variant type: single nucleotide variant.
Coding change: c.137T>A on transcript NM_001379610.1 (MANE Select); coding-DNA position 137, T replaced by A.
Protein change: p.Val46Asp; replaces valine 46 with aspartic acid.
Molecular consequence: missense variant.
Genome position (GRCh38, 1-based): chr5:147,828,079, A>T on the plus strand (T>A on the coding strand, the complement: SPINK1 is on the minus strand). VCF-style: chr5-147828079-A-T. GRCh37 (hg19) VCF-style: chr5-147207642-A-T.
Other names: c.137T>A, p.Val46Asp (NM_001354966.2, NM_003122.5); short protein forms V46D.
Identifiers: ClinVar variation 528769 (VCV000528769.17), dbSNP rs1379675813, ClinGen allele CA361885283.
Genomic context (GRCh38, chr5:147,828,079, plus strand): 5'-CACCGATTTTCAAAACATAACACGCATTCATTGGGATAAGTATTTCCATCAGTCCCACAG[A>T]CAGGGTCATATATCTTGGTGCATCCATTAAGTTCATTGTAACATTTGGCCTAAAAATGGA-3'
Protein context (NP_001366539.1, residues 36-56): LNGCTKIYDP[Val46Asp]CGTDGNTYPN